The following is an entry in ClinVar:

ClinVar aggregate classification (germline): Uncertain significance (1 of 4 stars; one submission).

Submission:

Labcorp Genetics (formerly Invitae), Labcorp
Classification: Uncertain significance. Last evaluated: 2023-04-09. Review status: criteria provided, single submitter. Criteria: Invitae Variant Classification Sherloc (09022015). Collection method: clinical testing. Allele origin: germline.
Comment: This sequence change replaces alanine, which is neutral and non-polar, with threonine, which is neutral and polar, at codon 677 of the LRP5 protein (p.Ala677Thr). Advanced modeling of protein sequence and biophysical properties (such as structural, functional, and spatial information, amino acid conservation, physicochemical variation, residue mobility, and thermodynamic stability) has been performed at Invitae for this missense variant, however the output from this modeling did not meet the statistical confidence thresholds required to predict the impact of this variant on LRP5 protein function. This variant has not been reported in the literature in individuals affected with LRP5-related conditions. This variant is not present in population databases (gnomAD no frequency). In summary, the available evidence is currently insufficient to determine the role of this variant in disease. Therefore, it has been classified as a Variant of Uncertain Significance.

NM_002335.4(LRP5):c.2029G>A (p.Ala677Thr)

Gene: LRP5 (LDL receptor related protein 5; plus strand). Cytogenetic location: 11q13.2.
Variant type: single nucleotide variant.
Coding change: c.2029G>A on transcript NM_002335.4 (MANE Select); coding-DNA position 2029, G replaced by A.
Protein change: p.Ala677Thr; replaces alanine 677 with threonine.
Molecular consequence: missense variant.
Genome position (GRCh38, 1-based): chr11:68,406,751, G>A. VCF-style: chr11-68406751-G-A. GRCh37 (hg19) VCF-style: chr11-68174219-G-A.
Other names: c.286G>A, p.Ala96Thr (NM_001291902.2); short protein forms A96T, A677T.
Identifiers: ClinVar variation 2854343 (VCV002854343.3), dbSNP rs1416939294, ClinGen allele CA381615800.